The following is an entry in ClinVar:

ClinVar aggregate classification (germline): Uncertain significance (1 of 4 stars; one submission).

Conditions:
Intellectual disability, autosomal recessive 42 (NEDDSBA). Also called: GLYCOSYLPHOSPHATIDYLINOSITOL BIOSYNTHESIS DEFECT 9; Neurodevelopmental disorder with dysmorphic features, spasticity, and brain abnormalities. Identifiers: Orphanet 88616, MedGen C4014343, MONDO:0014348, OMIM 615802.

gnomAD v4.1: 1 of 1,611,194 alleles (0.000062%); highest among the groups gnomAD compares: Non-Finnish European, 0.000085%; no homozygotes.

Submission:

Labcorp Genetics (formerly Invitae), Labcorp
Classification: Uncertain significance for Intellectual disability, autosomal recessive 42. Last evaluated: 2023-05-03. Review status: criteria provided, single submitter. Criteria: Invitae Variant Classification Sherloc (09022015). Collection method: clinical testing. Allele origin: germline.
Comment: This variant has not been reported in the literature in individuals affected with PGAP1-related conditions. This variant is not present in population databases (gnomAD no frequency). This sequence change replaces valine, which is neutral and non-polar, with methionine, which is neutral and non-polar, at codon 483 of the PGAP1 protein (p.Val483Met). ClinVar contains an entry for this variant (Variation ID: 1001534). In summary, the available evidence is currently insufficient to determine the role of this variant in disease. Therefore, it has been classified as a Variant of Uncertain Significance. Advanced modeling of protein sequence and biophysical properties (such as structural, functional, and spatial information, amino acid conservation, physicochemical variation, residue mobility, and thermodynamic stability) performed at Invitae indicates that this missense variant is not expected to disrupt PGAP1 protein function.

NM_024989.4(PGAP1):c.1447G>A (p.Val483Met)

Gene: PGAP1 (post-GPI attachment to proteins inositol deacylase 1; minus strand). Cytogenetic location: 2q33.1.
Variant type: single nucleotide variant.
Coding change: c.1447G>A on transcript NM_024989.4 (MANE Select); coding-DNA position 1447, G replaced by A.
Protein change: p.Val483Met; replaces valine 483 with methionine.
Molecular consequence: missense variant.
Genome position (GRCh38, 1-based): chr2:196,873,738, C>T on the plus strand (G>A on the coding strand, the complement: PGAP1 is on the minus strand). VCF-style: chr2-196873738-C-T. GRCh37 (hg19) VCF-style: chr2-197738462-C-T.
Other names: c.925G>A, p.Val309Met (NM_001321099.2); c.280G>A, p.Val94Met (NM_001321100.2); short protein forms V309M, V483M, V94M.
Identifiers: ClinVar variation 1001534 (VCV001001534.9), dbSNP rs1329688368, ClinGen allele CA350171317.